The following is an entry in ClinVar:

ClinVar aggregate classification (germline): Benign/Likely benign. Review status: criteria provided, multiple submitters, no conflicts (2 of 4 stars). 4 submissions from 4 submitters: Benign (2); Likely benign (2). Last evaluated 2025-11-13.

Conditions:
Inborn genetic diseases. Identifiers: MedGen C0950123, MeSH D030342.
KBG syndrome (KBGS). Also called: ANKRD11-Related KBG Syndrome. Identifiers: Orphanet 2332, MedGen C0220687, MONDO:0007846, OMIM 148050.

Allele frequency attached by ClinVar (database versions not stated): ESP Exome Variant Server 0.00008; gnomAD 0.00009 and 0.00010; TOPMed 0.00010; gnomAD exomes 0.00011; ExAC 0.00014; 1000 Genomes Project 30x 0.00016; 1000 Genomes Project 0.00020.
gnomAD v4.1: 78 of 1,613,804 alleles (0.0048%); highest among the groups gnomAD compares: South Asian, 0.048%; no homozygotes.

Submissions (4):

Labcorp Genetics (formerly Invitae), Labcorp
Classification: Benign for KBG syndrome. Last evaluated: 2025-11-13. Review status: criteria provided, single submitter. Criteria: Invitae Variant Classification Sherloc (09022015). Collection method: clinical testing. Allele origin: germline.

CeGaT Center for Human Genetics Tuebingen
Classification: Likely benign. Last evaluated: 2024-06-01. Review status: criteria provided, single submitter. Criteria: CeGaT Center For Human Genetics Tuebingen Variant Classification Criteria Version 2. Collection method: clinical testing. Allele origin: germline. Affected: yes. Observed: 1 variant allele.
Comment: ANKRD11: BP4, BP7

Genome-Nilou Lab
Classification: Benign for KBG syndrome. Last evaluated: 2021-12-05. Review status: criteria provided, single submitter. Criteria: ACMG Guidelines, 2015. Collection method: clinical testing. Allele origin: germline. Affected: no.

Ambry Genetics
Classification: Likely benign for Inborn genetic diseases. Last evaluated: 2017-01-12. Review status: criteria provided, single submitter. Criteria: Ambry Variant Classification Scheme 2023. Collection method: clinical testing. Allele origin: germline.

NM_013275.6(ANKRD11):c.1725C>T (p.Ser575=)

Gene: ANKRD11 (ankyrin repeat domain 11; minus strand). Cytogenetic location: 16q24.3.
Variant type: single nucleotide variant.
Coding change: c.1725C>T on transcript NM_013275.6 (MANE Select); coding-DNA position 1725, C replaced by T.
Protein change: p.Ser575=; no amino-acid change (serine 575 retained).
Molecular consequence: synonymous variant.
Genome position (GRCh38, 1-based): chr16:89,284,817, G>A on the plus strand (C>T on the coding strand, the complement: ANKRD11 is on the minus strand). VCF-style: chr16-89284817-G-A. GRCh37 (hg19) VCF-style: chr16-89351225-G-A.
Other names: c.1725C>T, p.Ser575= (NM_001256182.2, NM_001256183.2).
Identifiers: ClinVar variation 588655 (VCV000588655.32), dbSNP rs151124308, ClinGen allele CA8242710.